The following is an entry in ClinVar:

NM_001290321.3(DMXL1):c.8523T>C (p.Cys2841=)

Gene: DMXL1 (Dmx like 1; plus strand). Cytogenetic location: 5q23.1.
Variant type: single nucleotide variant.
Coding change: c.8523T>C on transcript NM_001290321.3 (MANE Select); coding-DNA position 8523, T replaced by C.
Protein change: p.Cys2841=; no amino-acid change (cysteine 2841 retained).
Molecular consequence: synonymous variant. On other transcripts: non-coding transcript variant (3).
Genome position (GRCh38, 1-based): chr5:119,237,378, T>C. VCF-style: chr5-119237378-T-C. GRCh37 (hg19) VCF-style: chr5-118573073-T-C.
Other names: c.8523T>C, p.Cys2841= (NM_001349239.2); c.8460T>C, p.Cys2820= (NM_001349240.2, NM_001387933.1, NM_005509.6); c.8268T>C, p.Cys2756= (NM_001387934.1); c.7755T>C, p.Cys2585= (NM_001387937.1); c.7536T>C, p.Cys2512= (NM_001387938.1).
Identifiers: ClinVar variation 3052434 (VCV003052434.2), dbSNP rs115265659, ClinGen allele CA3381225.

ClinVar aggregate classification (germline): Benign (0 of 4 stars; one submission).

Conditions:
DMXL1-related disorder. Also called: DMXL1-related condition.

Allele frequency attached by ClinVar (database versions not stated): gnomAD exomes 0.00030; ExAC 0.00077; 1000 Genomes Project 0.00280; ESP Exome Variant Server 0.00293; gnomAD 0.00297; 1000 Genomes Project 30x 0.00312; TOPMed 0.00351.
gnomAD v4.1: 897 of 1,605,440 alleles (0.056%); highest among the groups gnomAD compares: African/African-American, 1.1%; 8 homozygotes.

Submission:

PreventionGenetics, part of Exact Sciences
Classification: Benign for DMXL1-related condition. Last evaluated: 2019-04-11. Review status: no assertion criteria provided. Collection method: clinical testing. Allele origin: germline.
Comment: This variant is classified as benign based on ACMG/AMP sequence variant interpretation guidelines (Richards et al. 2015 PMID: 25741868, with internal and published modifications).